The following is an entry in ClinVar:

ClinVar aggregate classification (germline): Uncertain significance (1 of 4 stars; one submission).

Conditions:
Rubinstein-Taybi syndrome due to EP300 haploinsufficiency. Also called: EP300-Related Rubinstein-Taybi Syndrome; RUBINSTEIN-TAYBI SYNDROME 2. Identifiers: Orphanet 353284, Orphanet 783, MedGen C3150941, MONDO:0013364, OMIM 613684.

Submission:

Labcorp Genetics (formerly Invitae), Labcorp
Classification: Uncertain significance for Rubinstein-Taybi syndrome due to EP300 haploinsufficiency. Last evaluated: 2025-02-17. Review status: criteria provided, single submitter. Criteria: Invitae Variant Classification Sherloc (09022015). Collection method: clinical testing. Allele origin: germline.
Comment: This sequence change replaces arginine, which is basic and polar, with glycine, which is neutral and non-polar, at codon 1494 of the EP300 protein (p.Arg1494Gly). This variant is not present in population databases (gnomAD no frequency). This variant has not been reported in the literature in individuals affected with EP300-related conditions. ClinVar contains an entry for this variant (Variation ID: 2764454). Invitae Evidence Modeling of protein sequence and biophysical properties (such as structural, functional, and spatial information, amino acid conservation, physicochemical variation, residue mobility, and thermodynamic stability) has been performed for this missense variant. However, the output from this modeling did not meet the statistical confidence thresholds required to predict the impact of this variant on EP300 protein function. In summary, the available evidence is currently insufficient to determine the role of this variant in disease. Therefore, it has been classified as a Variant of Uncertain Significance.

NM_001429.4(EP300):c.4480A>G (p.Arg1494Gly)

Gene: EP300 (EP300 lysine acetyltransferase; plus strand). Cytogenetic location: 22q13.2.
Variant type: single nucleotide variant.
Coding change: c.4480A>G on transcript NM_001429.4 (MANE Select); coding-DNA position 4480, A replaced by G.
Protein change: p.Arg1494Gly; replaces arginine 1494 with glycine.
Molecular consequence: missense variant.
Genome position (GRCh38, 1-based): chr22:41,172,526, A>G. VCF-style: chr22-41172526-A-G. GRCh37 (hg19) VCF-style: chr22-41568530-A-G.
Other names: c.4402A>G, p.Arg1468Gly (NM_001362843.2); short protein forms R1468G, R1494G.
Identifiers: ClinVar variation 2764454 (VCV002764454.3), dbSNP rs2145770020, ClinGen allele CA411702587.